The following is an entry in ClinVar:

ClinVar aggregate classification (germline): Likely benign. Review status: criteria provided, multiple submitters, no conflicts (2 of 4 stars). 3 submissions from 3 submitters: Likely benign (2). 1 of the submissions does not count toward it. Last evaluated 2022-11-10.

Conditions:
SCN10A-related disorder. Also called: SCN10A-related condition.
Brugada syndrome. Also called: Sudden unexpected nocturnal death syndrome; Sudden unexplained nocturnal death syndrome; Sudden Unexplained Death Syndrome; Sudden Unexplained Nocturnal Death Syndrome (SUNDS). Identifiers: Orphanet 130, MedGen C1142166, MONDO:0015263.
Cardiovascular phenotype. Identifiers: MedGen CN230736.

Allele frequency attached by ClinVar (database versions not stated): ExAC 0.00001.
gnomAD v4.1: 20 of 1,613,950 alleles (0.0012%); highest among the groups gnomAD compares: Non-Finnish European, 0.0015%; no homozygotes.

Submissions (3):

Labcorp Genetics (formerly Invitae), Labcorp
Classification: Likely benign for Brugada syndrome. Last evaluated: 2022-11-10. Review status: criteria provided, single submitter. Criteria: Invitae Variant Classification Sherloc (09022015). Collection method: clinical testing. Allele origin: germline.

Ambry Genetics
Classification: Likely benign for Cardiovascular phenotype. Last evaluated: 2021-12-08. Review status: criteria provided, single submitter. Criteria: Ambry Variant Classification Scheme 2023. Collection method: clinical testing. Allele origin: germline.

PreventionGenetics, part of Exact Sciences
Classification: Likely benign for SCN10A-related condition. Last evaluated: 2019-05-06. Review status: no assertion criteria provided. Collection method: clinical testing. Allele origin: germline. Not counted in ClinVar's aggregate classification.
Comment: This variant is classified as likely benign based on ACMG/AMP sequence variant interpretation guidelines (Richards et al. 2015 PMID: 25741868, with internal and published modifications).

NM_006514.4(SCN10A):c.123T>C (p.His41=)

Gene: SCN10A (sodium voltage-gated channel alpha subunit 10; minus strand). Cytogenetic location: 3p22.2.
Variant type: single nucleotide variant.
Coding change: c.123T>C on transcript NM_006514.4 (MANE Select); coding-DNA position 123, T replaced by C.
Protein change: p.His41=; no amino-acid change (histidine 41 retained).
Molecular consequence: synonymous variant.
Genome position (GRCh38, 1-based): chr3:38,793,888, A>G on the plus strand (T>C on the coding strand, the complement: SCN10A is on the minus strand). VCF-style: chr3-38793888-A-G. GRCh37 (hg19) VCF-style: chr3-38835379-A-G.
Other names: c.123T>C, p.His41= (NM_001293306.2, NM_001293307.2); c.123T>C (NM_006514.3).
Identifiers: ClinVar variation 1758051 (VCV001758051.6), dbSNP rs747084510, ClinGen allele CA2321303.